The following is an entry in ClinVar:

NM_002017.5(FLI1):c.1128G>A (p.Ser376=)

Gene: FLI1 (Fli-1 proto-oncogene, ETS transcription factor; plus strand). Cytogenetic location: 11q24.3.
Variant type: single nucleotide variant.
Coding change: c.1128G>A on transcript NM_002017.5 (MANE Select); coding-DNA position 1128, G replaced by A.
Protein change: p.Ser376=; no amino-acid change (serine 376 retained).
Molecular consequence: synonymous variant.
Genome position (GRCh38, 1-based): chr11:128,810,757, G>A. VCF-style: chr11-128810757-G-A. GRCh37 (hg19) VCF-style: chr11-128680652-G-A.
Other names: c.1128G>A (NM_002017.4); c.1029G>A, p.Ser343= (NM_001167681.3); c.930G>A, p.Ser310= (NM_001271010.2); c.549G>A, p.Ser183= (NM_001271012.2).
Identifiers: ClinVar variation 2868563 (VCV002868563.5), dbSNP rs766521149, ClinGen allele CA6357316.

ClinVar aggregate classification (germline): Likely benign. Review status: criteria provided, single submitter (1 of 4 stars). 2 submissions from 2 submitters: Likely benign (1). 1 of the submissions does not count toward it. Last evaluated 2025-06-15.

Conditions:
FLI1-related disorder. Also called: FLI1-related condition.

Allele frequency attached by ClinVar (database versions not stated): ExAC 0.00007; TOPMed 0.00004; gnomAD 0.00003; gnomAD exomes 0.00007.
gnomAD v4.1: 109 of 1,613,904 alleles (0.0068%); highest among the groups gnomAD compares: Admixed American, 0.017%; no homozygotes.

Submissions (2):

Labcorp Genetics (formerly Invitae), Labcorp
Classification: Likely benign. Last evaluated: 2025-06-15. Review status: criteria provided, single submitter. Criteria: Invitae Variant Classification Sherloc (09022015). Collection method: clinical testing. Allele origin: germline.

PreventionGenetics, part of Exact Sciences
Classification: Likely benign for FLI1-related condition. Last evaluated: 2019-03-21. Review status: no assertion criteria provided. Collection method: clinical testing. Allele origin: germline. Not counted in ClinVar's aggregate classification.
Comment: This variant is classified as likely benign based on ACMG/AMP sequence variant interpretation guidelines (Richards et al. 2015 PMID: 25741868, with internal and published modifications).